The following is an entry in ClinVar:

ClinVar aggregate classification (germline): Uncertain significance (1 of 4 stars; one submission).

Conditions:
Hereditary cancer-predisposing syndrome. Also called: Tumor predisposition; Hereditary neoplastic syndrome; Hereditary Cancer Syndrome; Neoplastic Syndromes, Hereditary. Identifiers: Orphanet 140162, MedGen C0027672, MeSH D009386, MONDO:0015356.

Submission:

Ambry Genetics
Classification: Uncertain significance for Hereditary cancer-predisposing syndrome. Last evaluated: 2025-06-02. Review status: criteria provided, single submitter. Criteria: Ambry Variant Classification Scheme 2023. Collection method: clinical testing. Allele origin: germline.
Comment: The p.G325D variant (also known as c.974G>A), located in coding exon 7 of the PTCH1 gene, results from a G to A substitution at nucleotide position 974. The glycine at codon 325 is replaced by aspartic acid, an amino acid with similar properties. This amino acid position is highly conserved in available vertebrate species. In addition, this alteration is predicted to be deleterious by in silico analysis. Based on the available evidence, the clinical significance of this variant remains unclear.

NM_000264.5(PTCH1):c.974G>A (p.Gly325Asp)

Gene: PTCH1 (patched 1; minus strand). Cytogenetic location: 9q22.32.
Variant type: single nucleotide variant.
Coding change: c.974G>A on transcript NM_000264.5 (MANE Select); coding-DNA position 974, G replaced by A.
Protein change: p.Gly325Asp; replaces glycine 325 with aspartic acid.
Molecular consequence: missense variant. On other transcripts: non-coding transcript variant (1).
Genome position (GRCh38, 1-based): chr9:95,480,062, C>T on the plus strand (G>A on the coding strand, the complement: PTCH1 is on the minus strand). VCF-style: chr9-95480062-C-T. GRCh37 (hg19) VCF-style: chr9-98242344-C-T.
Other names: c.776G>A, p.Gly259Asp (NM_001083602.3); c.971G>A, p.Gly324Asp (NM_001083603.3); c.521G>A, p.Gly174Asp (NM_001083604.3, NM_001083605.3, NM_001083606.3 and 1 more transcripts); c.974G>A, p.Gly325Asp (NM_001354918.2); short protein forms G259D, G324D, G174D, G325D.
Identifiers: ClinVar variation 3939979 (VCV003939979.1).
Genomic context (GRCh38, chr9:95,480,062, plus strand): 5'-CCACCCACAATCAACTCCTCCTGCCAGTGCATATACTTTCTGGATAAGCCATGACATCCA[C>T]CATTCAAAACAAGGGCCATATCAAGAGGCTAAAATAAAAAGACAGCCACATAATTATGGG-3'
Protein context (NP_000255.2, residues 315-335): KPLDMALVLN[Gly325Asp]GCHGLSRKYM